The following is an entry in ClinVar:

NM_005559.4(LAMA1):c.3496G>A (p.Val1166Met)

Gene: LAMA1 (laminin subunit alpha 1; minus strand). Cytogenetic location: 18p11.31.
Variant type: single nucleotide variant.
Coding change: c.3496G>A on transcript NM_005559.4 (MANE Select); coding-DNA position 3496, G replaced by A.
Protein change: p.Val1166Met; replaces valine 1166 with methionine.
Molecular consequence: missense variant.
Genome position (GRCh38, 1-based): chr18:7,012,006, C>T on the plus strand (G>A on the coding strand, the complement: LAMA1 is on the minus strand). VCF-style: chr18-7012006-C-T. GRCh37 (hg19) VCF-style: chr18-7012005-C-T.
Other names: short protein forms V1166M.
Identifiers: ClinVar variation 1409681 (VCV001409681.3), dbSNP rs545607128, ClinGen allele CA295776011.

ClinVar aggregate classification (germline): Uncertain significance (1 of 4 stars; one submission).

Allele frequency attached by ClinVar (database versions not stated): gnomAD 0.00003; TOPMed 0.00004.
gnomAD v4.1: 22 of 1,606,534 alleles (0.0014%); highest among the groups gnomAD compares: Admixed American, 0.0068%; no homozygotes.

Submission:

Labcorp Genetics (formerly Invitae), Labcorp
Classification: Uncertain significance. Last evaluated: 2022-09-13. Review status: criteria provided, single submitter. Criteria: Invitae Variant Classification Sherloc (09022015). Collection method: clinical testing. Allele origin: germline.
Comment: This sequence change replaces valine, which is neutral and non-polar, with methionine, which is neutral and non-polar, at codon 1166 of the LAMA1 protein (p.Val1166Met). The frequency data for this variant in the population databases is considered unreliable, as metrics indicate poor data quality at this position in the gnomAD database. This variant has not been reported in the literature in individuals affected with LAMA1-related conditions. ClinVar contains an entry for this variant (Variation ID: 1409681). Advanced modeling of protein sequence and biophysical properties (such as structural, functional, and spatial information, amino acid conservation, physicochemical variation, residue mobility, and thermodynamic stability) performed at Invitae indicates that this missense variant is not expected to disrupt LAMA1 protein function. In summary, the available evidence is currently insufficient to determine the role of this variant in disease. Therefore, it has been classified as a Variant of Uncertain Significance.